The following is an entry in ClinVar:

ClinVar aggregate classification (germline): Uncertain significance (1 of 4 stars; one submission).

Allele frequency attached by ClinVar (database versions not stated): ExAC 0.00001; gnomAD exomes 0.00001.
gnomAD v4.1: 18 of 1,613,888 alleles (0.0011%); highest among the groups gnomAD compares: Non-Finnish European, 0.0015%; no homozygotes.

Submission:

Labcorp Genetics (formerly Invitae), Labcorp
Classification: Uncertain significance. Last evaluated: 2022-07-02. Review status: criteria provided, single submitter. Criteria: Invitae Variant Classification Sherloc (09022015). Collection method: clinical testing. Allele origin: germline.
Comment: This sequence change replaces alanine, which is neutral and non-polar, with threonine, which is neutral and polar, at codon 236 of the UBE3B protein (p.Ala236Thr). This variant is present in population databases (rs779898052, gnomAD 0.0009%). In summary, the available evidence is currently insufficient to determine the role of this variant in disease. Therefore, it has been classified as a Variant of Uncertain Significance. Algorithms developed to predict the effect of missense changes on protein structure and function (SIFT, PolyPhen-2, Align-GVGD) all suggest that this variant is likely to be tolerated. This variant has not been reported in the literature in individuals affected with UBE3B-related conditions.

NM_130466.4(UBE3B):c.706G>A (p.Ala236Thr)

Gene: UBE3B (ubiquitin protein ligase E3B; plus strand). Cytogenetic location: 12q24.11.
Variant type: single nucleotide variant.
Coding change: c.706G>A on transcript NM_130466.4 (MANE Select); coding-DNA position 706, G replaced by A.
Protein change: p.Ala236Thr; replaces alanine 236 with threonine.
Molecular consequence: missense variant.
Genome position (GRCh38, 1-based): chr12:109,491,120, G>A. VCF-style: chr12-109491120-G-A. GRCh37 (hg19) VCF-style: chr12-109928925-G-A.
Other names: c.706G>A, p.Ala236Thr (NM_183415.3); short protein forms A236T.
Identifiers: ClinVar variation 2170857 (VCV002170857.4), dbSNP rs779898052, ClinGen allele CA6777640.